The following is an entry in ClinVar:

ClinVar aggregate classification (germline): Uncertain significance. Review status: criteria provided, multiple submitters, no conflicts (2 of 4 stars). 2 submissions from 2 submitters: Uncertain significance (2). Last evaluated 2025-08-25.

Conditions:
Congenital myasthenic syndrome 4A. Also called: CONGENITAL MYASTHENIC SYNDROME TYPE Ia1; Myasthenic syndrome, congenital, 4a, slow-channel; MYASTHENIC SYNDROME, CONGENITAL, 4A, SLOW-CHANNEL, AUTOSOMAL RECESSIVE. Identifiers: Orphanet 590, MedGen C4225413, MONDO:0011600, OMIM 605809.

Allele frequency attached by ClinVar (database versions not stated): gnomAD exomes below 0.00001.
gnomAD v4.1: 2 of 1,614,118 alleles (0.00012%); highest among the groups gnomAD compares: Non-Finnish European, 0.00017%; no homozygotes.

Submissions (2):

GeneDx
Classification: Uncertain significance. Last evaluated: 2025-08-25. Review status: criteria provided, single submitter. Criteria: GeneDx Variant Classification Process June 2021. Collection method: clinical testing. Allele origin: germline. Affected: yes.
Comment: Not observed at significant frequency in large population cohorts (gnomAD); In silico analysis suggests that this missense variant does not alter protein structure/function; Has not been previously published as pathogenic or benign to our knowledge

Labcorp Genetics (formerly Invitae), Labcorp
Classification: Uncertain significance for Congenital myasthenic syndrome 4A. Last evaluated: 2023-08-23. Review status: criteria provided, single submitter. Criteria: Invitae Variant Classification Sherloc (09022015). Collection method: clinical testing. Allele origin: germline.
Comment: This variant is not present in population databases (gnomAD no frequency). In summary, the available evidence is currently insufficient to determine the role of this variant in disease. Therefore, it has been classified as a Variant of Uncertain Significance. Advanced modeling of protein sequence and biophysical properties (such as structural, functional, and spatial information, amino acid conservation, physicochemical variation, residue mobility, and thermodynamic stability) has been performed at Invitae for this missense variant, however the output from this modeling did not meet the statistical confidence thresholds required to predict the impact of this variant on CHRNE protein function. This variant has not been reported in the literature in individuals affected with CHRNE-related conditions. This sequence change replaces isoleucine, which is neutral and non-polar, with valine, which is neutral and non-polar, at codon 277 of the CHRNE protein (p.Ile277Val).

NM_000080.4(CHRNE):c.829A>G (p.Ile277Val)

Genes: C17orf107 (chromosome 17 open reading frame 107; plus strand), CHRNE (cholinergic receptor nicotinic epsilon subunit; minus strand). Cytogenetic location: 17p13.2.
Variant type: single nucleotide variant.
Coding change: c.829A>G on transcript NM_000080.4 (MANE Select); coding-DNA position 829, A replaced by G.
Protein change: p.Ile277Val; replaces isoleucine 277 with valine.
Molecular consequence: missense variant. On other transcripts: 3 prime UTR variant (1).
Genome position (GRCh38, 1-based): chr17:4,900,881, T>C on the plus strand (A>G on the coding strand, the complement: CHRNE is on the minus strand). VCF-style: chr17-4900881-T-C. GRCh37 (hg19) VCF-style: chr17-4804176-T-C.
Other names: c.*348T>C (NM_001145536.2); short protein forms I277V.
Identifiers: ClinVar variation 2892172 (VCV002892172.4), dbSNP rs2151097080, ClinGen allele CA397304576.